The following is an entry in ClinVar:

ClinVar aggregate classification (germline): Uncertain significance (1 of 4 stars; one submission).

Conditions:
IFT172-related disorder. Also called: IFT172-related disorders; IFT172-related condition.

Submission:

PreventionGenetics, part of Exact Sciences
Classification: Uncertain significance for IFT172-related condition. Last evaluated: 2026-02-17. Review status: criteria provided, single submitter. Criteria: ACMG Guidelines, 2015. Collection method: clinical testing. Allele origin: germline.
Comment: The IFT172 c.4478G>A variant is predicted to result in the amino acid substitution p.Gly1493Glu. To our knowledge, this variant has not been reported in the literature or in a large population database (gnomAD), indicating this variant is rare. At this time, the clinical significance of this variant is uncertain due to the absence of conclusive functional and genetic evidence.

NM_015662.3(IFT172):c.4478G>A (p.Gly1493Glu)

Gene: IFT172 (intraflagellar transport 172; minus strand). Cytogenetic location: 2p23.3.
Variant type: single nucleotide variant.
Coding change: c.4478G>A on transcript NM_015662.3 (MANE Select); coding-DNA position 4478, G replaced by A.
Protein change: p.Gly1493Glu; replaces glycine 1493 with glutamic acid.
Molecular consequence: missense variant.
Genome position (GRCh38, 1-based): chr2:27,447,873, C>T on the plus strand (G>A on the coding strand, the complement: IFT172 is on the minus strand). VCF-style: chr2-27447873-C-T. GRCh37 (hg19) VCF-style: chr2-27670740-C-T.
Other names: c.4412G>A, p.Gly1471Glu (NM_001410739.1); short protein forms G1471E, G1493E.
Identifiers: ClinVar variation 4989938 (VCV004989938.1).